The following is an entry in ClinVar:

ClinVar aggregate classification (germline): Conflicting classifications of pathogenicity. Review status: criteria provided, conflicting classifications (1 of 4 stars). 4 submissions from 4 submitters: Likely pathogenic (2); Uncertain significance (2). Last evaluated 2025-05-20.

Conditions:
Hereditary cancer-predisposing syndrome. Also called: Hereditary Cancer Syndrome; Hereditary neoplastic syndrome; Tumor predisposition; Neoplastic Syndromes, Hereditary. Identifiers: Orphanet 140162, MedGen C0027672, MeSH D009386, MONDO:0015356.
Peutz-Jeghers syndrome (PJS). Also called: Peutz-Jeghers polyposis; Periorificial lentiginosis syndrome; POLYPOSIS, HAMARTOMATOUS INTESTINAL; POLYPS-AND-SPOTS SYNDROME. Identifiers: Orphanet 2869, MedGen C0031269, MeSH D010580, MONDO:0008280, OMIM 175200.

Submissions (4):

Labcorp Genetics (formerly Invitae), Labcorp
Classification: Likely pathogenic for Peutz-Jeghers syndrome. Last evaluated: 2025-05-20. Review status: criteria provided, single submitter. Criteria: Invitae Variant Classification Sherloc (09022015). Collection method: clinical testing. Allele origin: germline.
Comment: This sequence change replaces leucine, which is neutral and non-polar, with proline, which is neutral and non-polar, at codon 285 of the STK11 protein (p.Leu285Pro). This variant is not present in population databases (gnomAD no frequency). This missense change has been observed in individual(s) with hamartomatous polyps and mucocutaneous pigmentation and/or STK11-related conditions (PMID: 17026623; internal data). This variant is also known as c.852T>C (p.L284P). ClinVar contains an entry for this variant (Variation ID: 439305). Invitae Evidence Modeling of protein sequence and biophysical properties (such as structural, functional, and spatial information, amino acid conservation, physicochemical variation, residue mobility, and thermodynamic stability) has been performed for this missense variant. However, the output from this modeling did not meet the statistical confidence thresholds required to predict the impact of this variant on STK11 protein function. This variant disrupts the p.Leu285 amino acid residue in STK11. Other variant(s) that disrupt this residue have been determined to be pathogenic (internal data). This suggests that this residue is clinically significant, and that variants that disrupt this residue are likely to be disease-causing. In summary, the currently available evidence indicates that the variant is pathogenic, but additional data are needed to prove that conclusively. Therefore, this variant has been classified as Likely Pathogenic.

Ambry Genetics
Classification: Likely pathogenic for Hereditary cancer-predisposing syndrome. Last evaluated: 2023-08-14. Review status: criteria provided, single submitter. Criteria: Ambry Variant Classification Scheme 2023. Collection method: clinical testing. Allele origin: germline.
Comment: The p.L285P variant (also known as c.854T>C), located in coding exon 6 of the STK11 gene, results from a T to C substitution at nucleotide position 854. The leucine at codon 285 is replaced by proline, an amino acid with similar properties. This amino acid position is highly conserved in available vertebrate species. This alteration has been observed in at least one individual with a personal and/or family history that is consistent with STK11-related disease (Ambry internal data). Based on internal structural analysis, this alteration is expected to destabilize the C-lobe of the kinase domain of the STK11 protein (Ambry internal data; Zeqiraj E et al. Science, 2009 Dec;326:1707-11). This variant is considered to be rare based on population cohorts in the Genome Aggregation Database (gnomAD). In addition, this alteration is predicted to be deleterious by in silico analysis. Based on the majority of available evidence to date, this variant is likely to be pathogenic.

Genome-Nilou Lab
Classification: Uncertain significance for Peutz-Jeghers syndrome. Last evaluated: 2021-07-15. Review status: criteria provided, single submitter. Criteria: ACMG Guidelines, 2015. Collection method: clinical testing. Allele origin: germline. Affected: no.

Quest Diagnostics Nichols Institute San Juan Capistrano
Classification: Uncertain significance. Last evaluated: 2017-02-28. Review status: criteria provided, single submitter. Criteria: Quest Diagnostics criteria. Collection method: clinical testing. Allele origin: germline.

Literature cited by the submitters: PubMed 17026623 (cited by 3 submitters); PubMed 19892943 (cited by Ambry Genetics and Quest Diagnostics Nichols Institute San Juan Capistrano); PubMed 26430231 (cited by Quest Diagnostics Nichols Institute San Juan Capistrano); PubMed 20223037 (cited by Quest Diagnostics Nichols Institute San Juan Capistrano).

NM_000455.5(STK11):c.854T>C (p.Leu285Pro)

Gene: STK11 (serine/threonine kinase 11; plus strand). Cytogenetic location: 19p13.3.
Variant type: single nucleotide variant.
Coding change: c.854T>C on transcript NM_000455.5 (MANE Select); coding-DNA position 854, T replaced by C.
Protein change: p.Leu285Pro; replaces leucine 285 with proline.
Molecular consequence: missense variant.
Genome position (GRCh38, 1-based): chr19:1,221,332, T>C. VCF-style: chr19-1221332-T-C. GRCh37 (hg19) VCF-style: chr19-1221331-T-C.
Other names: short protein forms L285P.
Identifiers: ClinVar variation 439305 (VCV000439305.14), dbSNP rs1555738724, ClinGen allele CA402950753.